The following is an entry in ClinVar:

NM_001042492.3(NF1):c.4503C>T (p.Asp1501=)

Gene: NF1 (neurofibromin 1; plus strand). Cytogenetic location: 17q11.2.
Variant type: single nucleotide variant.
Coding change: c.4503C>T on transcript NM_001042492.3 (MANE Select); coding-DNA position 4503, C replaced by T.
Protein change: p.Asp1501=; no amino-acid change (aspartic acid 1501 retained).
Molecular consequence: synonymous variant.
Genome position (GRCh38, 1-based): chr17:31,260,441, C>T. VCF-style: chr17-31260441-C-T. GRCh37 (hg19) VCF-style: chr17-29587459-C-T.
Other names: c.4440C>T, p.Asp1480= (NM_000267.4).
Identifiers: ClinVar variation 186666 (VCV000186666.19), dbSNP rs577394398, ClinGen allele CA195496.

ClinVar aggregate classification (germline): Benign/Likely benign. Review status: criteria provided, multiple submitters, no conflicts (2 of 4 stars). 9 submissions from 9 submitters: Benign (2); Likely benign (6). 1 of the submissions does not count toward it. Last evaluated 2026-05-19.

Conditions:
NF1-related disorder. Also called: NF1-related condition. Identifiers: MedGen CN379171.
Hereditary cancer-predisposing syndrome. Also called: Tumor predisposition; Neoplastic Syndromes, Hereditary; Hereditary neoplastic syndrome; Hereditary Cancer Syndrome. Identifiers: Orphanet 140162, MedGen C0027672, MeSH D009386, MONDO:0015356.
Neurofibromatosis, familial spinal (FSNF). Identifiers: Orphanet 636, MedGen C1834235, MONDO:0008078, OMIM 162210. Disease mechanism: loss of function.
Neurofibromatosis-Noonan syndrome (NFNS). Also called: NEUROFIBROMATOSIS WITH NOONAN PHENOTYPE. Identifiers: Orphanet 638, MedGen C2931482, MONDO:0011035, OMIM 601321. Disease mechanism: loss of function.
Neurofibromatosis, type 1 (NF1). Also called: NEUROFIBROMATOSIS, TYPE I, SOMATIC; Peripheral type neurofibromatosis; VON RECKLINGHAUSEN DISEASE; Neurofibromatosis, type I. Identifiers: Orphanet 636, MedGen C0027831, MONDO:0018975, OMIM 162200. Disease mechanism: loss of function.
Café-au-lait macules with pulmonary stenosis (WTSN). Also called: PULMONIC STENOSIS WITH CAFE-AU-LAIT SPOTS. Identifiers: MedGen C0553586, MONDO:0008672, OMIM 193520.
Juvenile myelomonocytic leukemia (JMML). Also called: LEUKEMIA, JUVENILE MYELOMONOCYTIC, SOMATIC. Identifiers: Orphanet 86834, MedGen C0349639, MONDO:0011908, OMIM 607785, HP:0012209.

Allele frequency attached by ClinVar (database versions not stated): gnomAD 0.00001; TOPMed 0.00003; ExAC 0.00004; gnomAD exomes 0.00004.
gnomAD v4.1: 49 of 1,613,752 alleles (0.003%); highest among the groups gnomAD compares: Admixed American, 0.017%; 1 homozygote.

Submissions (9):

Myriad Genetics, Inc.
Classification: Benign for Neurofibromatosis, type 1. Last evaluated: 2026-05-19. Review status: criteria provided, single submitter. Criteria: Myriad Autosomal Dominant, Autosomal Recessive and X-Linked Classification Criteria (2023). Collection method: clinical testing. Allele origin: unknown.
Comment: This variant is considered benign. This variant is a silent/synonymous amino acid change and it is not expected to impact splicing.

Labcorp Genetics (formerly Invitae), Labcorp
Classification: Benign for Neurofibromatosis, type 1. Last evaluated: 2026-02-03. Review status: criteria provided, single submitter. Criteria: Invitae Variant Classification Sherloc (09022015). Collection method: clinical testing. Allele origin: germline.

Blueprint Genetics
Classification: Likely benign. Last evaluated: 2024-09-19. Review status: criteria provided, single submitter. Criteria: ACMG Guidelines, 2015. Collection method: clinical testing. Allele origin: germline.

Department of Pathology and Laboratory Medicine, Sinai Health System
Classification: Likely benign for Neurofibromatosis, type 1. Last evaluated: 2022-10-27. Review status: criteria provided, single submitter. Criteria: ACMG Guidelines, 2015. Collection method: clinical testing. Allele origin: germline. Affected: yes.

Genome-Nilou Lab
Classification: Likely benign for Neurofibromatosis, type 1. Last evaluated: 2022-03-15. Review status: criteria provided, single submitter. Criteria: ACMG Guidelines, 2015. Collection method: clinical testing. Allele origin: germline. Affected: no.

Fulgent Genetics
Classification: Likely benign for Neurofibromatosis, type 1; Neurofibromatosis, familial spinal; Café-au-lait macules with pulmonary stenosis; Neurofibromatosis-Noonan syndrome; Juvenile myelomonocytic leukemia. Last evaluated: 2021-12-04. Review status: criteria provided, single submitter. Criteria: ACMG Guidelines, 2015. Collection method: clinical testing. Allele origin: unknown.

GeneDx
Classification: Likely benign. Last evaluated: 2018-03-06. Review status: criteria provided, single submitter. Criteria: GeneDx Variant Classification (06012015). Collection method: clinical testing. Allele origin: germline. Affected: yes.
Comment: This variant is considered likely benign or benign based on one or more of the following criteria: it is a conservative change, it occurs at a poorly conserved position in the protein, it is predicted to be benign by multiple in silico algorithms, and/or has population frequency not consistent with disease.

Ambry Genetics
Classification: Likely benign for Hereditary cancer-predisposing syndrome. Last evaluated: 2014-10-24. Review status: criteria provided, single submitter. Criteria: Ambry Autosomal Dominant and X-Linked criteria (10/2015). Collection method: clinical testing. Allele origin: germline. Observed: 1 variant allele.

PreventionGenetics, part of Exact Sciences
Classification: Likely benign for NF1-related condition. Last evaluated: 2019-11-27. Review status: no assertion criteria provided. Collection method: clinical testing. Allele origin: germline. Not counted in ClinVar's aggregate classification.
Comment: This variant is classified as likely benign based on ACMG/AMP sequence variant interpretation guidelines (Richards et al. 2015 PMID: 25741868, with internal and published modifications).